The following is an entry in ClinVar:

ClinVar aggregate classification (germline): Likely pathogenic. Review status: criteria provided, single submitter (1 of 4 stars). 2 submissions from 2 submitters: Likely pathogenic (1). 1 of the submissions does not count toward it. Last evaluated 2024-10-07.

Conditions:
Deficiency of UDPglucose-hexose-1-phosphate uridylyltransferase. Also called: GALACTOSE-1-PHOSPHATE URIDYLYLTRANSFERASE DEFICIENCY; GALT deficiency; Galactosemia, classic; Transferase Deficiency Galactosemia; GALACTOSEMIA I. Identifiers: Orphanet 352, Orphanet 79239, MedGen C0268151, MONDO:0009258, OMIM 230400.
Galactosemia. Also called: Galactose intolerance. Identifiers: Orphanet 352, MedGen C0016952, MONDO:0018116, HP:0004919. Disease mechanism: loss of function.

Submissions (2):

Natera, Inc.
Classification: Likely pathogenic for Galactosemia. Last evaluated: 2024-10-07. Review status: criteria provided, single submitter. Criteria: Natera Variant Classification Schema (03/2026). Collection method: clinical testing. Allele origin: germline.
Comment: The c.132del variant in GALT is a frameshift variant predicted to shift the reading frame beginning at codon 45 and leads to a stop codon 5 codons downstream. This variant is expected to result in nonsense mediated decay, truncation, or a dysfunctional protein product. This variant is rare in the general population with a frequency below the threshold expected for the associated phenotype(s). Given the available evidence, this variant is classified as Likely Pathogenic.

Counsyl
Classification: Likely pathogenic for Deficiency of UDPglucose-hexose-1-phosphate uridylyltransferase. Last evaluated: 2017-12-12. Review status: no assertion criteria provided. Collection method: clinical testing. Allele origin: unknown. Not counted in ClinVar's aggregate classification.

NM_000155.4(GALT):c.132del (p.Ser45fs)

Genes: GALT (galactose-1-phosphate uridylyltransferase; plus strand), LOC130001683 (ATAC-STARR-seq lymphoblastoid active region 28314; plus strand). Cytogenetic location: 9p13.3.
Variant type: Deletion.
Coding change: c.132del on transcript NM_000155.4 (MANE Select); coding-DNA position 132, one base deleted (G; older notation c.132delG).
Protein change: p.Ser45fs; shifts the reading frame from serine 45.
Molecular consequence: frameshift variant. On other transcripts: 5 prime UTR variant (1).
Genome position (GRCh38, 1-based): chr9:34,647,138, G deleted. VCF-style (leftmost placement, unchanged base first): chr9-34647137-TG-T. GRCh37 (hg19) VCF-style: chr9-34647134-TG-T.
Other names: c.132del (NM_000155.3); c.132delG (NM_000155.3); c.-71del (NM_001258332.2); short protein forms S45fs.
Identifiers: ClinVar variation 555536 (VCV000555536.3), dbSNP rs1554709139, ClinGen allele CA464595689.